The following is an entry in ClinVar:

ClinVar aggregate classification (germline): Uncertain significance. Review status: criteria provided, multiple submitters, no conflicts (2 of 4 stars). 2 submissions from 2 submitters: Uncertain significance (2). Last evaluated 2024-05-26.

Conditions:
Pancreatic adenocarcinoma. Identifiers: MedGen C0281361, MONDO:0006047, HP:0006725.

Allele frequency attached by ClinVar (database versions not stated): ExAC 0.00001; gnomAD exomes 0.00001.
gnomAD v4.1: 8 of 1,613,922 alleles (0.0005%); highest among the groups gnomAD compares: Non-Finnish European, 0.00068%; no homozygotes.

Submissions (2):

Labcorp Genetics (formerly Invitae), Labcorp
Classification: Uncertain significance for Pancreatic adenocarcinoma. Last evaluated: 2024-05-26. Review status: criteria provided, single submitter. Criteria: Invitae Variant Classification Sherloc (09022015). Collection method: clinical testing. Allele origin: germline.
Comment: This sequence change replaces glutamic acid, which is acidic and polar, with glycine, which is neutral and non-polar, at codon 285 of the PALLD protein (p.Glu285Gly). This variant is present in population databases (rs763900244, gnomAD 0.002%). This variant has not been reported in the literature in individuals affected with PALLD-related conditions. ClinVar contains an entry for this variant (Variation ID: 1789481). An algorithm developed to predict the effect of missense changes on protein structure and function (PolyPhen-2) suggests that this variant is likely to be tolerated. In summary, the available evidence is currently insufficient to determine the role of this variant in disease. Therefore, it has been classified as a Variant of Uncertain Significance.

Ambry Genetics
Classification: Uncertain significance. Last evaluated: 2024-02-16. Review status: criteria provided, single submitter. Criteria: Ambry Variant Classification Scheme 2023. Collection method: clinical testing. Allele origin: germline.
Comment: The p.E772G variant (also known as c.2315A>G), located in coding exon 12 of the PALLD gene, results from an A to G substitution at nucleotide position 2315. The glutamic acid at codon 772 is replaced by glycine, an amino acid with similar properties. This amino acid position is conserved. In addition, this alteration is predicted to be tolerated by in silico analysis. Since supporting evidence is limited at this time, the clinical significance of this alteration remains unclear.

NM_001166108.2(PALLD):c.2366A>G (p.Glu789Gly)

Genes: CBR4 (carbonyl reductase 4; minus strand), PALLD (palladin, cytoskeletal associated protein; plus strand). Cytogenetic location: 4q32.3.
Variant type: single nucleotide variant.
Coding change: c.2366A>G on transcript NM_001166108.2 (MANE Select); coding-DNA position 2366, A replaced by G.
Protein change: p.Glu789Gly; replaces glutamic acid 789 with glycine.
Molecular consequence: missense variant.
Genome position (GRCh38, 1-based): chr4:168,898,608, A>G. VCF-style: chr4-168898608-A-G. GRCh37 (hg19) VCF-style: chr4-169819759-A-G.
Other names: c.1169A>G, p.Glu390Gly (NM_001166109.2); c.854A>G, p.Glu285Gly (NM_001166110.2); c.194A>G, p.Glu65Gly (NM_001367567.1, NM_001367569.1); c.245A>G, p.Glu82Gly (NM_001367568.1, NM_001367570.1); c.2315A>G, p.Glu772Gly (NM_016081.4); short protein forms E82G, E285G, E390G, E65G, E789G, E772G.
Identifiers: ClinVar variation 1789481 (VCV001789481.4), dbSNP rs763900244, ClinGen allele CA3135877.
Genomic context (GRCh38, chr4:168,898,608, plus strand): 5'-TAGAAAGGTCTCCTGTGGATGAATCAGGTGATGAAGTTCAGTATGGAGATGTGCCTGTGG[A>G]AAATGGAATGGCACCATTCTTTGAGATGAAGCTGAAACATTACAAGATCTTTGAGGGAAT-3'
Protein context (NP_001159580.1, residues 779-799): DEVQYGDVPV[Glu789Gly]NGMAPFFEMK